The following is an entry in ClinVar:

ClinVar aggregate classification (germline): Benign/Likely benign. Review status: criteria provided, multiple submitters, no conflicts (2 of 4 stars). 4 submissions from 4 submitters: Benign (1); Likely benign (3). Last evaluated 2025-02-19.

Conditions:
Breast-ovarian cancer, familial, susceptibility to, 3. Also called: RAD51C-Related Breast/Ovarian Cancer. Identifiers: Orphanet 145, MedGen C3150659, MONDO:0013253, OMIM 613399.
Hereditary cancer-predisposing syndrome. Also called: Tumor predisposition; Neoplastic Syndromes, Hereditary; Hereditary Cancer Syndrome; Hereditary neoplastic syndrome. Identifiers: Orphanet 140162, MedGen C0027672, MeSH D009386, MONDO:0015356.
Fanconi anemia complementation group O. Also called: RAD51C-Related Fanconi Anemia. Identifiers: Orphanet 84, MedGen C3150653, MONDO:0013248, OMIM 613390.

Allele frequency attached by ClinVar (database versions not stated): TOPMed below 0.00001.

Submissions (4):

Myriad Genetics, Inc.
Classification: Benign for Breast-ovarian cancer, familial, susceptibility to, 3. Last evaluated: 2025-02-19. Review status: criteria provided, single submitter. Criteria: Myriad Autosomal Dominant, Autosomal Recessive and X-Linked Classification Criteria (2023). Collection method: clinical testing. Allele origin: unknown.
Comment: This variant is considered benign. This variant is a silent/synonymous amino acid change and it is not expected to impact splicing.

Labcorp Genetics (formerly Invitae), Labcorp
Classification: Likely benign for Fanconi anemia complementation group O. Last evaluated: 2023-03-26. Review status: criteria provided, single submitter. Criteria: Invitae Variant Classification Sherloc (09022015). Collection method: clinical testing. Allele origin: germline.

Ambry Genetics
Classification: Likely benign for Hereditary cancer-predisposing syndrome. Last evaluated: 2021-11-24. Review status: criteria provided, single submitter. Criteria: Ambry Variant Classification Scheme 2023. Collection method: clinical testing. Allele origin: germline.

Color Diagnostics, LLC DBA Color Health
Classification: Likely benign for Hereditary cancer-predisposing syndrome. Last evaluated: 2017-01-30. Review status: criteria provided, single submitter. Criteria: ACMG Guidelines, 2015. Collection method: clinical testing. Allele origin: germline.

NM_058216.3(RAD51C):c.933A>T (p.Ile311=)

Gene: RAD51C (RAD51 paralog C; plus strand). Cytogenetic location: 17q22.
Variant type: single nucleotide variant.
Coding change: c.933A>T on transcript NM_058216.3 (MANE Select); coding-DNA position 933, A replaced by T.
Protein change: p.Ile311=; no amino-acid change (isoleucine 311 retained).
Molecular consequence: synonymous variant. On other transcripts: non-coding transcript variant (1).
Genome position (GRCh38, 1-based): chr17:58,724,068, A>T. VCF-style: chr17-58724068-A-T. GRCh37 (hg19) VCF-style: chr17-56801429-A-T.
Identifiers: ClinVar variation 492397 (VCV000492397.14), dbSNP rs965621328, ClinGen allele CA292069134.